The following is an entry in ClinVar:

NM_001365480.1(CCDC88A):c.2993_2997del (p.Lys998fs)

Gene: CCDC88A (coiled-coil domain containing 88A; minus strand). Cytogenetic location: 2p16.1.
Variant type: Deletion.
Coding change: c.2993_2997del on transcript NM_001365480.1 (MANE Select); coding-DNA positions 2993 to 2997, 5 bases deleted (AAACA; older notation c.2993_2997delAAACA).
Protein change: p.Lys998fs; shifts the reading frame from lysine 998.
Molecular consequence: frameshift variant.
Genome position (GRCh38, 1-based): chr2:55,328,294-55,328,298, TGTTT deleted on the plus strand (AAACA on the coding strand, the reverse complement: CCDC88A is on the minus strand); deleting any 5 consecutive bases within chr2:55,328,294-55,328,299 gives the same sequence; the c. name uses the placement nearest the transcript's 3' end. VCF-style (leftmost placement, unchanged base first): chr2-55328293-CTGTTT-C. GRCh37 (hg19) VCF-style: chr2-55555429-CTGTTT-C.
Other names: c.2990_2994del, p.Lys997fs (NM_001135597.2, NM_001254943.2); c.2993_2997del, p.Lys998fs (NM_018084.5); short protein forms K997fs, K998fs.
Identifiers: ClinVar variation 1380010 (VCV001380010.1), dbSNP rs2104666055, ClinGen allele CA2573135031.
Genomic context (GRCh38, chr2:55,328,293, plus strand): 5'-TTCTGTCCAAATATTTATATAATAAATGATCCTTAAAATTCTTTCCAAGAAAATCACTTA[CTGTTT>C]TAAGTTCTTGGCGCAATTGCTGGTTATAATTCGTGGATTCTTCTAATCGAGCTTCTAAAG-3'

ClinVar aggregate classification (germline): Pathogenic (1 of 4 stars; one submission).

Submission:

Labcorp Genetics (formerly Invitae), Labcorp
Classification: Pathogenic. Last evaluated: 2021-11-23. Review status: criteria provided, single submitter. Criteria: Invitae Variant Classification Sherloc (09022015). Collection method: clinical testing. Allele origin: germline.
Comment: This sequence change creates a premature translational stop signal (p.Lys997Serfs*6) in the CCDC88A gene. It is expected to result in an absent or disrupted protein product. Loss-of-function variants in CCDC88A are known to be pathogenic (PMID: 26917597, 30392057). This variant is not present in population databases (gnomAD no frequency). This variant has not been reported in the literature in individuals affected with CCDC88A-related conditions. Algorithms developed to predict the effect of sequence changes on RNA splicing suggest that this variant may disrupt the consensus splice site. For these reasons, this variant has been classified as Pathogenic.

Literature cited by the submitters: PubMed 26917597; PubMed 30392057.